The following is an entry in ClinVar:

NM_152594.3(SPRED1):c.1023G>C (p.Arg341Ser)

Gene: SPRED1 (sprouty related EVH1 domain containing 1; plus strand). Cytogenetic location: 15q14.
Variant type: single nucleotide variant.
Coding change: c.1023G>C on transcript NM_152594.3 (MANE Select); coding-DNA position 1023, G replaced by C.
Protein change: p.Arg341Ser; replaces arginine 341 with serine.
Molecular consequence: missense variant.
Genome position (GRCh38, 1-based): chr15:38,351,352, G>C. VCF-style: chr15-38351352-G-C. GRCh37 (hg19) VCF-style: chr15-38643553-G-C.
Other names: short protein forms R341S.
Identifiers: ClinVar variation 3229264 (VCV003229264.2), dbSNP rs1405547941, ClinGen allele CA391933816.

ClinVar aggregate classification (germline): Uncertain significance. Review status: criteria provided, multiple submitters, no conflicts (2 of 4 stars). 2 submissions from 2 submitters: Uncertain significance (2). Last evaluated 2025-10-02.

Conditions:
Legius syndrome. Identifiers: Orphanet 137605, MedGen C1969623, MONDO:0012669, OMIM 611431. Disease mechanism: loss of function.
Cardiovascular phenotype. Identifiers: MedGen CN230736.

Allele frequency attached by ClinVar (database versions not stated): gnomAD exomes below 0.00001.

Submissions (2):

Labcorp Genetics (formerly Invitae), Labcorp
Classification: Uncertain significance for Legius syndrome. Last evaluated: 2025-10-02. Review status: criteria provided, single submitter. Criteria: Invitae Variant Classification Sherloc (09022015). Collection method: clinical testing. Allele origin: germline.
Comment: This sequence change replaces arginine, which is basic and polar, with serine, which is neutral and polar, at codon 341 of the SPRED1 protein (p.Arg341Ser). This variant is present in population databases (no rsID available, gnomAD 0.0009%). This variant has not been reported in the literature in individuals affected with SPRED1-related conditions. ClinVar contains an entry for this variant (Variation ID: 3229264). Invitae Evidence Modeling of protein sequence and biophysical properties (such as structural, functional, and spatial information, amino acid conservation, physicochemical variation, residue mobility, and thermodynamic stability) indicates that this missense variant is not expected to disrupt SPRED1 protein function with a negative predictive value of 80%. In summary, the available evidence is currently insufficient to determine the role of this variant in disease. Therefore, it has been classified as a Variant of Uncertain Significance.

Ambry Genetics
Classification: Uncertain significance for Cardiovascular phenotype. Last evaluated: 2023-12-10. Review status: criteria provided, single submitter. Criteria: Ambry Variant Classification Scheme 2023. Collection method: clinical testing. Allele origin: germline.
Comment: The p.R341S variant (also known as c.1023G>C), located in coding exon 7 of the SPRED1 gene, results from a G to C substitution at nucleotide position 1023. The arginine at codon 341 is replaced by serine, an amino acid with dissimilar properties. This amino acid position is conserved. In addition, the in silico prediction for this alteration is inconclusive. Since supporting evidence is limited at this time, the clinical significance of this alteration remains unclear.